The following is an entry in ClinVar:

ClinVar aggregate classification (germline): Uncertain significance (1 of 4 stars; one submission).

Conditions:
Systemic lupus erythematosus, susceptibility to, 9. Also called: Systemic lupus erythematosus 9. Identifiers: MedGen C1970455, MONDO:0012584, OMIM 610927.
Immunodeficiency, common variable, 7. Identifiers: Orphanet 1572, Orphanet 696894, MedGen C3542922, MONDO:0013862, OMIM 614699.

Allele frequency attached by ClinVar (database versions not stated): gnomAD exomes below 0.00001; gnomAD 0.00001; TOPMed 0.00001.
gnomAD v4.1: 5 of 1,596,230 alleles (0.00031%); highest among the groups gnomAD compares: Non-Finnish European, 0.000086%; no homozygotes.

Submission:

Center for Genomics, Ann and Robert H. Lurie Children's Hospital of Chicago
Classification: Uncertain significance for Systemic lupus erythematosus, susceptibility to, 9; Immunodeficiency, common variable, 7. Review status: criteria provided, single submitter. Criteria: ACMG Guidelines, 2015. Collection method: clinical testing. Allele origin: germline.
Comment: This variant has not been reported in the literature but is present in the Genome Aggregation Database (Highest reported MAF: 0.01% [1/10074]). Evolutionary conservation and computational predictive tools suggest that this variant may not impact the protein. However, splice prediction tools suggest that this variant may impact splicing; further studies are needed to understand its impact. In summary, data on this variant is insufficient for disease classification. Therefore, the clinical significance of this variant is uncertain.

NM_001006658.3(CR2):c.3112G>A (p.Gly1038Ser)

Gene: CR2 (complement C3d receptor 2; plus strand). Cytogenetic location: 1q32.2.
Variant type: single nucleotide variant.
Coding change: c.3112G>A on transcript NM_001006658.3 (MANE Select); coding-DNA position 3112, G replaced by A.
Protein change: p.Gly1038Ser; replaces glycine 1038 with serine.
Molecular consequence: missense variant.
Genome position (GRCh38, 1-based): chr1:207,479,280, G>A. VCF-style: chr1-207479280-G-A. GRCh37 (hg19) VCF-style: chr1-207652625-G-A.
Other names: c.2935G>A, p.Gly979Ser (NM_001877.5); short protein forms G1038S, G979S.
Identifiers: ClinVar variation 2500016 (VCV002500016.2), dbSNP rs1490877307, ClinGen allele CA344542054.
Genomic context (GRCh38, chr1:207,479,280, plus strand): 5'-ACTGATAATCATTTTCATGATTTTGTACTATTTTTAGGTTCACTTGCTCCTGTCCTTTGT[G>A]GTAAGTCTTCTTAAATACTTGAAGAAAAGCTCTTATAATATTTTTTAAAAATATGTAATG-3'
Protein context (NP_001006659.1, residues 1028-1048): RSRSLAPVLC[Gly1038Ser]IAAGLILLTF